The following is an entry in ClinVar:

ClinVar aggregate classification (germline): Benign/Likely benign. Review status: criteria provided, multiple submitters, no conflicts (2 of 4 stars). 3 submissions from 3 submitters: Benign (1); Likely benign (1). 1 of the submissions does not count toward it. Last evaluated 2025-12-13.

Conditions:
CFAP410-related disorder. Also called: CFAP410-related condition.

Allele frequency attached by ClinVar (database versions not stated): ExAC below 0.00001; TOPMed 0.00001; 1000 Genomes Project 30x 0.00016; gnomAD exomes 0.00034 and 0.00125; gnomAD 0.00069 and 0.00075.

Submissions (3):

Labcorp Genetics (formerly Invitae), Labcorp
Classification: Benign. Last evaluated: 2025-12-13. Review status: criteria provided, single submitter. Criteria: Invitae Variant Classification Sherloc (09022015). Collection method: clinical testing. Allele origin: germline.

Blueprint Genetics
Classification: Likely benign. Last evaluated: 2024-10-18. Review status: criteria provided, single submitter. Criteria: ACMG Guidelines, 2015. Collection method: clinical testing. Allele origin: germline.

PreventionGenetics, part of Exact Sciences
Classification: Likely benign for CFAP410-related condition. Last evaluated: 2022-07-20. Review status: no assertion criteria provided. Collection method: clinical testing. Allele origin: germline. Not counted in ClinVar's aggregate classification.
Comment: This variant is classified as likely benign based on ACMG/AMP sequence variant interpretation guidelines (Richards et al. 2015 PMID: 25741868, with internal and published modifications).

NM_004928.3(CFAP410):c.1A>G (p.Met1Val)

Genes: CFAP410 (cilia and flagella associated protein 410; minus strand), LOC130066823 (ATAC-STARR-seq lymphoblastoid silent region 13383; plus strand). Cytogenetic location: 21q22.3.
Variant type: single nucleotide variant.
Coding change: c.1A>G on transcript NM_004928.3 (MANE Select); coding-DNA position 1, A replaced by G.
Protein change: p.Met1Val; changes the start codon (methionine 1).
Molecular consequence: missense variant, initiator codon variant.
Genome position (GRCh38, 1-based): chr21:44,339,194, T>C on the plus strand (A>G on the coding strand, the complement: CFAP410 is on the minus strand). VCF-style: chr21-44339194-T-C. GRCh37 (hg19) VCF-style: chr21-45759077-T-C.
Other names: c.1A>G, p.Met1Val (NM_001271440.2, NM_001271441.2); short protein forms M1V.
Identifiers: ClinVar variation 756785 (VCV000756785.12), dbSNP rs769070783, ClinGen allele CA10053929.